The following is an entry in ClinVar:

ClinVar aggregate classification (germline): Uncertain significance. Review status: criteria provided, multiple submitters, no conflicts (2 of 4 stars). 2 submissions from 2 submitters: Uncertain significance (2). Last evaluated 2025-01-07.

gnomAD v4.1: 3 of 1,614,160 alleles (0.00019%); highest among the groups gnomAD compares: South Asian, 0.0033%; no homozygotes.

Submissions (2):

Labcorp Genetics (formerly Invitae), Labcorp
Classification: Uncertain significance. Last evaluated: 2025-01-07. Review status: criteria provided, single submitter. Criteria: Invitae Variant Classification Sherloc (09022015). Collection method: clinical testing. Allele origin: germline.
Comment: This sequence change falls in intron 3 of the RBP3 gene. It does not directly change the encoded amino acid sequence of the RBP3 protein. It affects a nucleotide within the consensus splice site. This variant is present in population databases (no rsID available, gnomAD 0.006%). This variant has not been reported in the literature in individuals affected with RBP3-related conditions. Variants that disrupt the consensus splice site are a relatively common cause of aberrant splicing (PMID: 17576681, 9536098). Algorithms developed to predict the effect of sequence changes on RNA splicing suggest that this variant is not likely to affect RNA splicing. In summary, the available evidence is currently insufficient to determine the role of this variant in disease. Therefore, it has been classified as a Variant of Uncertain Significance.

Blueprint Genetics
Classification: Uncertain significance. Last evaluated: 2019-01-09. Review status: criteria provided, single submitter. Criteria: ACMG Guidelines, 2015. Collection method: clinical testing. Allele origin: germline.

Literature cited by the submitters: PubMed 17576681 (cited by Labcorp Genetics (formerly Invitae), Labcorp); PubMed 9536098 (cited by Labcorp Genetics (formerly Invitae), Labcorp).

NM_002900.3(RBP3):c.3388+4C>G

Gene: RBP3 (retinol binding protein 3; plus strand). Cytogenetic location: 10q11.22.
Variant type: single nucleotide variant.
Coding change: c.3388+4C>G on transcript NM_002900.3 (MANE Select); 4 bases into the intron after coding-DNA position 3388, C replaced by G.
Molecular consequence: intron variant.
Genome position (GRCh38, 1-based): chr10:47,355,522, C>G. VCF-style: chr10-47355522-C-G. GRCh37 (hg19) VCF-style: chr10-48383840-G-C.
Identifiers: ClinVar variation 3648114 (VCV003648114.3).